The following is an entry in ClinVar:

ClinVar aggregate classification (germline): Pathogenic/Likely pathogenic. Review status: criteria provided, multiple submitters, no conflicts (2 of 4 stars). 4 submissions from 4 submitters: Pathogenic (1); Likely pathogenic (3). Last evaluated 2025-11-14.

Conditions:
Hereditary cancer-predisposing syndrome. Also called: Hereditary neoplastic syndrome; Hereditary Cancer Syndrome; Tumor predisposition; Neoplastic Syndromes, Hereditary. Identifiers: Orphanet 140162, MedGen C0027672, MeSH D009386, MONDO:0015356.
Hereditary breast ovarian cancer syndrome. Also called: Breast and ovarian cancer; Hereditary breast and ovarian cancer; BRCA1- and BRCA2-Associated Hereditary Breast and Ovarian Cancer; Hereditary breast and/or ovarian cancer syndrome; Hereditary breast and ovarian cancer syndrome; Hereditary breast and ovarian cancer syndrome (HBOC). Identifiers: Orphanet 145, MedGen C0677776, MeSH D061325, MONDO:0003582. Disease mechanism: loss of function.

Submissions (4):

Labcorp Genetics (formerly Invitae), Labcorp
Classification: Pathogenic for Hereditary breast ovarian cancer syndrome. Last evaluated: 2025-11-14. Review status: criteria provided, single submitter. Criteria: Invitae Variant Classification Sherloc (09022015). Collection method: clinical testing. Allele origin: germline.
Comment: This sequence change affects a donor splice site in intron 24 of the BRCA2 gene. RNA analysis indicates that disruption of this splice site induces altered splicing and may result in an absent or altered protein product. This variant is not present in population databases (gnomAD no frequency). Disruption of this splice site has been observed in individual(s) with breast and prostate cancer (PMID: 12759930). It has also been observed to segregate with disease in related individuals. ClinVar contains an entry for this variant (Variation ID: 439017). Studies have shown that disruption of this splice site results in skipping of exon 24, and produces a non-functional protein and/or introduces a premature termination codon (PMID: 12759930). For these reasons, this variant has been classified as Pathogenic.

Ambry Genetics
Classification: Likely pathogenic for Hereditary cancer-predisposing syndrome. Last evaluated: 2025-06-14. Review status: criteria provided, single submitter. Criteria: Ambry Variant Classification Scheme 2023. Collection method: clinical testing. Allele origin: germline.
Comment: The c.9256+2T>C intronic variant results from a T to C substitution two nucleotides after coding exon 23 in the BRCA2 gene. Two saturation genome editing-based studies, including a haploid cell-survival assay and a humanized mouse embryonic stem cell line assay of drug response and survival, demonstrate that this nucleotide substitution is non-functional (Huang H et al. Nature. 2025 Feb;638(8050):528-537; Sahu S et al. Nature. 2025 Feb;638(8050):538-545). This variant is considered to be rare based on population cohorts in the Genome Aggregation Database (gnomAD). This nucleotide position is highly conserved in available vertebrate species. In silico splice site analysis predicts that this alteration will weaken the native splice donor site. Alterations that disrupt the canonical splice site are expected to cause aberrant splicing, resulting in an abnormal protein or a transcript that is subject to nonsense-mediated mRNA decay. As such, this alteration is classified as likely pathogenic.

Color Diagnostics, LLC DBA Color Health
Classification: Likely pathogenic for Hereditary cancer-predisposing syndrome. Last evaluated: 2024-09-13. Review status: criteria provided, single submitter. Criteria: ACMG Guidelines, 2015. Collection method: clinical testing. Allele origin: germline.
Comment: This variant causes a T to C nucleotide substitution at the +2 position of intron 24 of the BRCA2 gene. Splice site prediction tools suggest that this variant may have a significant impact on RNA splicing. Although this prediction has not been confirmed in published RNA studies, this variant is expected to result in an absent or disrupted protein product. To our knowledge, this variant has not been reported in individuals affected with hereditary cancer in the literature. This variant has not been identified in the general population by the Genome Aggregation Database (gnomAD). Loss of BRCA2 function is a known mechanism of disease. Based on the available evidence, this variant is classified as Likely Pathogenic.

Quest Diagnostics Nichols Institute San Juan Capistrano
Classification: Likely pathogenic. Last evaluated: 2020-03-11. Review status: criteria provided, single submitter. Criteria: Quest Diagnostics criteria. Collection method: clinical testing. Allele origin: unknown.
Comment: The variant disrupts a canonical splice site, and is therefore predicted to result in the loss of a functional protein. Not found in the total gnomAD dataset.

Literature cited by the submitters: PubMed 12759930 (cited by Labcorp Genetics (formerly Invitae), Labcorp); PubMed 39779848 (cited by Ambry Genetics); PubMed 39779857 (cited by Ambry Genetics).

NM_000059.4(BRCA2):c.9256+2T>C

Gene: BRCA2 (BRCA2 DNA repair associated; plus strand). Cytogenetic location: 13q13.1.
Variant type: single nucleotide variant.
Coding change: c.9256+2T>C on transcript NM_000059.4 (MANE Select); the canonical splice donor site of the intron after coding-DNA position 9256, T replaced by C.
Molecular consequence: splice donor variant.
Genome position (GRCh38, 1-based): chr13:32,380,147, T>C. VCF-style: chr13-32380147-T-C. GRCh37 (hg19) VCF-style: chr13-32954284-T-C.
Other names: c.9205+2T>C (NM_001406720.1); c.9160+2T>C (NM_001406719.1); c.4324+2T>C (NM_001406721.1); c.2839+2T>C (NM_001406722.1).
Identifiers: ClinVar variation 439017 (VCV000439017.15), dbSNP rs1555288591, ClinGen allele CA387758745.